The following is an entry in ClinVar:

ClinVar aggregate classification (germline): Benign (1 of 4 stars; one submission).

Conditions:
Familial adenomatous polyposis 1 (FAP1). Also called: POLYPOSIS, ADENOMATOUS INTESTINAL; FAMILIAL ADENOMATOUS POLYPOSIS 1, ATTENUATED. Identifiers: MedGen C2713442, MONDO:0021056, OMIM 175100. Disease mechanism: loss of function.

Allele frequency attached by ClinVar (database versions not stated): gnomAD exomes below 0.00001.
gnomAD v4.1: 1 of 1,614,082 alleles (0.000062%); no homozygotes.

Submission:

Myriad Genetics, Inc.
Classification: Benign for Familial adenomatous polyposis 1. Last evaluated: 2024-03-28. Review status: criteria provided, single submitter. Criteria: Myriad Autosomal Dominant, Autosomal Recessive and X-Linked Classification Criteria (2023). Collection method: clinical testing. Allele origin: unknown.
Comment: This variant is considered benign. This variant is a silent/synonymous amino acid change and it is not expected to impact splicing.

NM_000038.6(APC):c.5076A>G (p.Thr1692=)

Gene: APC (APC regulator of Wnt signaling pathway; plus strand). Cytogenetic location: 5q22.2.
Variant type: single nucleotide variant.
Coding change: c.5076A>G on transcript NM_000038.6 (MANE Select); coding-DNA position 5076, A replaced by G.
Protein change: p.Thr1692=; no amino-acid change (threonine 1692 retained).
Molecular consequence: synonymous variant. On other transcripts: non-coding transcript variant (2).
Genome position (GRCh38, 1-based): chr5:112,840,670, A>G. VCF-style: chr5-112840670-A-G. GRCh37 (hg19) VCF-style: chr5-112176367-A-G.
Other names: c.5076A>G, p.Thr1692= (NM_001127510.3, NM_001354895.2, NM_001407450.1); c.5022A>G, p.Thr1674= (NM_001127511.3); c.5130A>G, p.Thr1710= (NM_001354896.2, NM_001407447.1, NM_001407448.1 and 1 more transcripts); c.5106A>G, p.Thr1702= (NM_001354897.2); c.5001A>G, p.Thr1667= (NM_001354898.2); c.4992A>G, p.Thr1664= (NM_001354899.2); c.4953A>G, p.Thr1651= (NM_001354900.2); c.4899A>G, p.Thr1633= (NM_001354901.2, NM_001407453.1); and 11 more.
Identifiers: ClinVar variation 3148044 (VCV003148044.1), dbSNP rs2149931403, ClinGen allele CA446209560.